The following is an entry in ClinVar:

NM_019096.5(GTPBP2):c.1187C>T (p.Thr396Ile)

Gene: GTPBP2 (GTP binding protein 2; minus strand). Cytogenetic location: 6p21.1.
Variant type: single nucleotide variant.
Coding change: c.1187C>T on transcript NM_019096.5 (MANE Select); coding-DNA position 1187, C replaced by T.
Protein change: p.Thr396Ile; replaces threonine 396 with isoleucine.
Molecular consequence: missense variant.
Genome position (GRCh38, 1-based): chr6:43,623,982, G>A on the plus strand (C>T on the coding strand, the complement: GTPBP2 is on the minus strand). VCF-style: chr6-43623982-G-A. GRCh37 (hg19) VCF-style: chr6-43591719-G-A.
Other names: c.923C>T, p.Thr308Ile (NM_001286216.2); short protein forms T396I, T308I.
Identifiers: ClinVar variation 2070934 (VCV002070934.4), dbSNP rs1368476279, ClinGen allele CA364275538.
Genomic context (GRCh38, chr6:43,623,982, plus strand): 5'-CAGTCAACTACCTGGAACTCCGTCAGCTGCTGCATGAGTTCCTCCTGCTCTTTGCTGTTG[G>A]TGAGTGGCGGCAGAATATTCAGAAAGACTTTGAGGAGGTCCAGACTCTCTCCAGACACAC-3'
Protein context (NP_061969.3, residues 386-406): KVFLNILPPL[Thr396Ile]NSKEQEELMQ

ClinVar aggregate classification (germline): Uncertain significance (1 of 4 stars; one submission).

Allele frequency attached by ClinVar (database versions not stated): gnomAD exomes below 0.00001.
gnomAD v4.1: 2 of 1,614,158 alleles (0.00012%); highest among the groups gnomAD compares: Non-Finnish European, 0.00017%; no homozygotes.

Submission:

Labcorp Genetics (formerly Invitae), Labcorp
Classification: Uncertain significance. Last evaluated: 2022-08-16. Review status: criteria provided, single submitter. Criteria: Invitae Variant Classification Sherloc (09022015). Collection method: clinical testing. Allele origin: germline.
Comment: In summary, the available evidence is currently insufficient to determine the role of this variant in disease. Therefore, it has been classified as a Variant of Uncertain Significance. Algorithms developed to predict the effect of missense changes on protein structure and function (SIFT, PolyPhen-2, Align-GVGD) all suggest that this variant is likely to be tolerated. This variant has not been reported in the literature in individuals affected with GTPBP2-related conditions. This variant is present in population databases (no rsID available, gnomAD 0.0009%). This sequence change replaces threonine, which is neutral and polar, with isoleucine, which is neutral and non-polar, at codon 396 of the GTPBP2 protein (p.Thr396Ile).